The following is an entry in ClinVar:

ClinVar aggregate classification (germline): Uncertain significance (1 of 4 stars; one submission).

Allele frequency attached by ClinVar (database versions not stated): gnomAD 0.00001; gnomAD exomes 0.00001; ExAC 0.00002; 1000 Genomes Project 0.00020; 1000 Genomes Project 30x 0.00031.
gnomAD v4.1: 10 of 1,613,484 alleles (0.00062%); highest among the groups gnomAD compares: South Asian, 0.0044%; no homozygotes.

Submission:

Labcorp Genetics (formerly Invitae), Labcorp
Classification: Uncertain significance. Last evaluated: 2025-04-17. Review status: criteria provided, single submitter. Criteria: Invitae Variant Classification Sherloc (09022015). Collection method: clinical testing. Allele origin: germline.
Comment: This sequence change replaces isoleucine, which is neutral and non-polar, with threonine, which is neutral and polar, at codon 3362 of the HMCN1 protein (p.Ile3362Thr). This variant is present in population databases (rs568878203, gnomAD 0.003%). This variant has not been reported in the literature in individuals affected with HMCN1-related conditions. ClinVar contains an entry for this variant (Variation ID: 2180837). An algorithm developed to predict the effect of missense changes on protein structure and function (PolyPhen-2) suggests that this variant is likely to be disruptive. In summary, the available evidence is currently insufficient to determine the role of this variant in disease. Therefore, it has been classified as a Variant of Uncertain Significance.

NM_031935.3(HMCN1):c.10085T>C (p.Ile3362Thr)

Gene: HMCN1 (hemicentin 1; plus strand). Cytogenetic location: 1q31.1.
Variant type: single nucleotide variant.
Coding change: c.10085T>C on transcript NM_031935.3 (MANE Select); coding-DNA position 10085, T replaced by C.
Protein change: p.Ile3362Thr; replaces isoleucine 3362 with threonine.
Molecular consequence: missense variant.
Genome position (GRCh38, 1-based): chr1:186,093,558, T>C. VCF-style: chr1-186093558-T-C. GRCh37 (hg19) VCF-style: chr1-186062690-T-C.
Other names: short protein forms I3362T.
Identifiers: ClinVar variation 2180837 (VCV002180837.4), dbSNP rs568878203, ClinGen allele CA1293639.